The following is an entry in ClinVar:

ClinVar aggregate classification (germline): Conflicting classifications of pathogenicity. Review status: criteria provided, conflicting classifications (1 of 4 stars). 8 submissions from 8 submitters: Uncertain significance (7); Likely benign (1). Last evaluated 2026-02-06.

Conditions:
Lynch syndrome. Identifiers: Orphanet 144, MedGen C4552100, MONDO:0005835. Disease mechanism: loss of function.
Lynch syndrome 4 (LYNCH4). Also called: Colorectal cancer, hereditary nonpolyposis, type 4; Hereditary non-polyposis colorectal cancer, type 4. Identifiers: Orphanet 144, MedGen C1838333, MONDO:0013699, OMIM 614337. Disease mechanism: loss of function.
Hereditary nonpolyposis colorectal neoplasms. Identifiers: MedGen C0009405, MeSH D003123.
Mismatch repair cancer syndrome 4. Identifiers: MedGen C5436817, MONDO:0030843, OMIM 619101.
Hereditary cancer-predisposing syndrome. Also called: Neoplastic Syndromes, Hereditary; Tumor predisposition; Hereditary Cancer Syndrome; Hereditary neoplastic syndrome. Identifiers: Orphanet 140162, MedGen C0027672, MeSH D009386, MONDO:0015356.

Allele frequency attached by ClinVar (database versions not stated): gnomAD 0.00001; TOPMed 0.00001; gnomAD exomes 0.00002; ExAC 0.00003.
gnomAD v4.1: 16 of 1,613,914 alleles (0.00099%); highest among the groups gnomAD compares: South Asian, 0.0077%; no homozygotes.

Submissions (8):

GeneDx
Classification: Uncertain significance. Last evaluated: 2026-02-06. Review status: criteria provided, single submitter. Criteria: GeneDx Variant Classification Process June 2021. Collection method: clinical testing. Allele origin: germline. Affected: yes.
Comment: In silico analysis supports that this missense variant has a deleterious effect on protein structure/function; This variant is associated with the following publications: (PMID: 11574484, 37306523)

Labcorp Genetics (formerly Invitae), Labcorp
Classification: Likely benign for Hereditary nonpolyposis colorectal neoplasms. Last evaluated: 2025-10-17. Review status: criteria provided, single submitter. Criteria: Invitae Variant Classification Sherloc (09022015). Collection method: clinical testing. Allele origin: germline.

Color Diagnostics, LLC DBA Color Health
Classification: Uncertain significance for Hereditary cancer-predisposing syndrome. Last evaluated: 2025-06-23. Review status: criteria provided, single submitter. Criteria: ACMG Guidelines, 2015. Collection method: clinical testing. Allele origin: germline.
Comment: This missense variant replaces glutamine with histidine at codon 205 of the PMS2 protein. Computational prediction suggests that this variant may not impact protein structure and function. To our knowledge, functional studies have not been reported for this variant. This variant has not been reported in individuals affected with PMS2-related disorders in the literature. This variant has been identified in 5/251494 chromosomes in the general population by the Genome Aggregation Database (gnomAD). A different variant affecting the same codon, c.614A>C (p.Gln205Pro), is considered to be disease-causing (ClinVar variation ID: 91361), suggesting that Gln at this position is important for the protein function. The available evidence is insufficient to determine the role of this variant in disease conclusively. Therefore, this variant is classified as a Variant of Uncertain Significance.

Ambry Genetics
Classification: Uncertain significance for Hereditary cancer-predisposing syndrome. Last evaluated: 2025-02-19. Review status: criteria provided, single submitter. Criteria: Ambry Variant Classification Scheme 2023. Collection method: clinical testing. Allele origin: germline.
Comment: The p.Q205H variant (also known as c.615G>T), located in coding exon 6 of the PMS2 gene, results from a G to T substitution at nucleotide position 615. The glutamine at codon 205 is replaced by histidine, an amino acid with highly similar properties. This variant has been reported in an individual with colon cancer (AlHarbi M et al. Oncotarget, 2023 Jun;14:580-594). This amino acid position is highly conserved in available vertebrate species. In addition, this alteration is predicted to be tolerated by in silico analysis. Based on the available evidence, the clinical significance of this variant remains unclear.

All of Us Research Program, National Institutes of Health
Classification: Uncertain significance for Lynch syndrome. Last evaluated: 2024-08-30. Review status: criteria provided, single submitter. Criteria: ACMG Guidelines, 2015. Collection method: clinical testing. Allele origin: germline. Inheritance: Autosomal dominant inheritance. Observed: 3 variant alleles, 3 heterozygotes.
Comment: This missense variant replaces glutamine with histidine at codon 205 of the PMS2 protein. Computational prediction suggests that this variant may not impact protein structure and function (internally defined REVEL score threshold <= 0.5, PMID: 27666373). To our knowledge, functional studies have not been reported for this variant. This variant has not been reported in individuals affected with PMS2-related disorders in the literature. This variant has been identified in 5/251494 chromosomes in the general population by the Genome Aggregation Database (gnomAD). A different variant affecting the same codon, c.614A>C (p.Gln205Pro), is considered to be disease-causing (ClinVar variation ID: 91361), suggesting that Gln at this position is important for the protein function. The available evidence is insufficient to determine the role of this variant in disease conclusively. Therefore, this variant is classified as a Variant of Uncertain Significance.

This study involves interpretation of variants in research participants for the purpose of population health screening. Participant phenotype was not available at the time of variant classification. Additional details can be found in publication PMID: 35346344, PMCID: PMC8962531

Baylor Genetics
Classification: Uncertain significance for Lynch syndrome 4. Last evaluated: 2024-03-10. Review status: criteria provided, single submitter. Criteria: ACMG Guidelines, 2015. Collection method: clinical testing. Allele origin: unknown.

Department of Pathology and Laboratory Medicine, Sinai Health System
Classification: Uncertain significance for Lynch syndrome 4; Mismatch repair cancer syndrome 4. Last evaluated: 2022-12-15. Review status: criteria provided, single submitter. Criteria: ACMG Guidelines, 2015. Collection method: clinical testing. Allele origin: germline. Affected: no.

Quest Diagnostics Nichols Institute San Juan Capistrano
Classification: Uncertain significance. Last evaluated: 2020-02-21. Review status: criteria provided, single submitter. Criteria: Quest Diagnostics criteria. Collection method: clinical testing. Allele origin: unknown.

Literature cited by the submitters: PubMed 37306523 (cited by Ambry Genetics).

NM_000535.7(PMS2):c.615G>T (p.Gln205His)

Gene: PMS2 (PMS1 homolog 2, mismatch repair system component; minus strand). Cytogenetic location: 7p22.1.
Variant type: single nucleotide variant.
Coding change: c.615G>T on transcript NM_000535.7 (MANE Select); coding-DNA position 615, G replaced by T.
Protein change: p.Gln205His; replaces glutamine 205 with histidine.
Molecular consequence: missense variant. On other transcripts: 5 prime UTR variant (2), non-coding transcript variant (1), intron variant (1).
Genome position (GRCh38, 1-based): chr7:5,999,198, C>A on the plus strand (G>T on the coding strand, the complement: PMS2 is on the minus strand). VCF-style: chr7-5999198-C-A. GRCh37 (hg19) VCF-style: chr7-6038829-C-A.
Other names: c.210G>T, p.Gln70His (NM_001322003.2, NM_001322004.2, NM_001322005.2 and 2 more transcripts); c.615G>T, p.Gln205His (NM_001322006.2, NM_001322014.2); c.297G>T, p.Gln99His (NM_001322007.2, NM_001322008.2); c.-319G>T (NM_001322011.2, NM_001322012.2); c.306G>T, p.Gln102His (NM_001322015.2); c.133-1775G>T (NM_001322013.2); short protein forms Q205H, Q102H, Q99H, Q70H.
Identifiers: ClinVar variation 231742 (VCV000231742.30), dbSNP rs752499497, ClinGen allele CA050625.